The following is an entry in ClinVar:

NM_000545.8(HNF1A):c.281C>T (p.Pro94Leu)

Gene: HNF1A (HNF1 homeobox A; plus strand). Cytogenetic location: 12q24.31.
Variant type: single nucleotide variant.
Coding change: c.281C>T on transcript NM_000545.8 (MANE Select); coding-DNA position 281, C replaced by T.
Protein change: p.Pro94Leu; replaces proline 94 with leucine.
Molecular consequence: missense variant.
Genome position (GRCh38, 1-based): chr12:120,979,049, C>T. VCF-style: chr12-120979049-C-T. GRCh37 (hg19) VCF-style: chr12-121416852-C-T.
Other names: NM_000545.8(HNF1A):c.281C>T; c.281C>T, p.Pro94Leu (NM_001306179.2); short protein forms P94L.
Identifiers: ClinVar variation 36816 (VCV000036816.9), dbSNP rs193922593, ClinGen allele CA214295.

ClinVar aggregate classification (germline): Likely pathogenic. Review status: reviewed by expert panel (3 of 4 stars). 4 submissions from 4 submitters: Likely pathogenic (1). 3 of the submissions do not count toward it. Last evaluated 2025-06-27.

Conditions:
Monogenic diabetes. Identifiers: Orphanet 183625, MedGen C3888631, MONDO:0015967.
Maturity-onset diabetes of the young (MODY). Also called: Maturity onset diabetes mellitus in young. Identifiers: Orphanet 552, MedGen C0342276, MONDO:0018911, HP:0004904.
Maturity-onset diabetes of the young type 3. Also called: MODY type 3; MODY, type III. Identifiers: Orphanet 552, MedGen C1838100, MeSH C563933, MONDO:0010894, OMIM 600496. Disease mechanism: loss of function.

Submissions (4):

ClinGen Monogenic Diabetes Variant Curation Expert Panel
Classification: Likely pathogenic for Monogenic diabetes. Last evaluated: 2025-06-27. Review status: reviewed by expert panel. Criteria: ClinGen Diabetes ACMG Specifications HNF1A V2.1.0. Collection method: curation. Allele origin: germline. Inheritance: Autosomal dominant inheritance.
Comment: The c.281C>T variant in the HNF1 homeobox A gene, HNF1A, causes an amino acid change of proline to leucine at codon 94 (p.(Pro94Leu)) of NM_000545.8. This variant is absent from gnomAD v.2.1.1 and v4.1.0 (PM2_supporting). Additionally, this variant is predicted to be deleterious by computational evidence, with a REVEL score of 0.84, which is greater than the MDEP threshold of 0.70 (PP3). Furthermore, this variant was identified in one individual with a clinical history highly specific for HNF1A-MODY (MODY probability calculator result >50%, negative genetic testing for HNF4A, response to sulfonylurea, antibody negative and persistent C-peptide) (PP4_Moderate; internal lab contributors). This variant segregated with diabetes with 5 informative meioses in 1 family (PP1_Strong; PMID: 27236918, internal lab contributors). In summary, this variant meets the criteria to be classified as likely pathogenic significance for monogenic diabetes. ACMG/AMP criteria applied, as specified by the ClinGen MDEP (specification version 2.1.0, approved 8/11/23): PM2_Supporting, PP3, PP4_Moderate, PP1_Strong.

Ambry Genetics
Classification: Uncertain significance for Maturity-onset diabetes of the young. Last evaluated: 2020-03-17. Review status: criteria provided, single submitter. Criteria: Ambry Variant Classification Scheme 2023. Collection method: clinical testing. Allele origin: germline. Not counted in ClinVar's aggregate classification.
Comment: The p.P94L variant (also known as c.281C>T), located in coding exon 1 of the HNF1A gene, results from a C to T substitution at nucleotide position 281. The proline at codon 94 is replaced by leucine, an amino acid with similar properties. This amino acid position is well conserved in available vertebrate species. In addition, this alteration is predicted to be deleterious by in silico analysis. Since supporting evidence is limited at this time, the clinical significance of this alteration remains unclear.

Women's Health and Genetics/Laboratory Corporation of America, LabCorp
Classification: Likely pathogenic for MODY3. Last evaluated: 2011-08-18. Review status: criteria provided, single submitter. Criteria: LabCorp Variant Classification Summary - May 2015. Collection method: curation, clinical testing. Allele origin: germline. Inheritance: autosomal unknown. Affected: yes. Not counted in ClinVar's aggregate classification.
ClinVar note: Converted during submission from likely pathogenic to Likely pathogenic.

Clinical Genomics, Uppaluri K&H Personalized Medicine Clinic
Classification: Likely risk allele for Maturity-onset diabetes of the young. Review status: criteria provided, single submitter. Criteria: K & H Uppaluri Personalized Medicine Clinic Variant Classification & Assertion Criteria_Updated V.1. Collection method: research. Allele origin: unknown. Inheritance: Autosomal dominant inheritance. Not counted in ClinVar's aggregate classification.
Comment: Mutations in HNF1A gene can predispose to MODY3. It is associated with both micro and macrovascular complications of diabetes, especially cardiovascular complications. Associated with glucosuria. May respond well to sulfonylureas. However, more evidence is required to confer the association of this particular variant rs193922593 with MODY3.

Literature cited by the submitters: PubMed 27236918 (cited by ClinGen Monogenic Diabetes Variant Curation Expert Panel); PubMed 31517624 (cited by Clinical Genomics, Uppaluri K&H Personalized Medicine Clinic); PubMed 32395877 (cited by Clinical Genomics, Uppaluri K&H Personalized Medicine Clinic); PubMed 35328643 (cited by Clinical Genomics, Uppaluri K&H Personalized Medicine Clinic); PubMed 35673428 (cited by Clinical Genomics, Uppaluri K&H Personalized Medicine Clinic).